The following is an entry in ClinVar:

ClinVar aggregate classification (germline): Conflicting classifications of pathogenicity. Review status: criteria provided, conflicting classifications (1 of 4 stars). 7 submissions from 7 submitters: Uncertain significance (2); Benign (1); Likely benign (4). Last evaluated 2026-02-02.

Conditions:
IGHMBP2-related disorder. Also called: IGHMBP2-related condition; IGHMBP2-related disorders.
Inborn genetic diseases. Identifiers: MedGen C0950123, MeSH D030342.
Charcot-Marie-Tooth disease axonal type 2S. Also called: CHARCOT-MARIE-TOOTH DISEASE, AXONAL, AUTOSOMAL RECESSIVE, TYPE 2S; CHARCOT-MARIE-TOOTH NEUROPATHY, TYPE 2S. Identifiers: Orphanet 443073, MedGen C4015349, MONDO:0014511, OMIM 616155.
Autosomal recessive distal spinal muscular atrophy 1. Also called: NEURONOPATHY, DISTAL HEREDITARY MOTOR, HARDING TYPE VI; NEUROPATHY, DISTAL HEREDITARY MOTOR, AUTOSOMAL RECESSIVE 1; NEURONOPATHY, SEVERE INFANTILE AXONAL, WITH RESPIRATORY FAILURE; HMN VI; SEVERE INFANTILE AXONAL NEUROPATHY WITH RESPIRATORY FAILURE; SPINAL MUSCULAR ATROPHY, DIAPHRAGMATIC. Identifiers: Orphanet 98920, MedGen C1858517, MONDO:0011436, OMIM 604320.
Charcot-Marie-Tooth disease. Also called: Charcot-Marie-Tooth Hereditary Neuropathy; Charcot-Marie-Tooth Neuropathy. Identifiers: Orphanet 166, MedGen C0007959, MONDO:0015626.

Allele frequency attached by ClinVar (database versions not stated): ESP Exome Variant Server 0.00008; gnomAD exomes 0.00029 and 0.00057; TOPMed 0.00034; gnomAD 0.00036 and 0.00037; ExAC 0.00045.
gnomAD v4.1: 507 of 1,613,430 alleles (0.031%); highest among the groups gnomAD compares: Non-Finnish European, 0.0058%; 1 homozygote.

Submissions (7):

Labcorp Genetics (formerly Invitae), Labcorp
Classification: Benign for Autosomal recessive distal spinal muscular atrophy 1; Charcot-Marie-Tooth disease axonal type 2S. Last evaluated: 2026-02-02. Review status: criteria provided, single submitter. Criteria: Invitae Variant Classification Sherloc (09022015). Collection method: clinical testing. Allele origin: germline.

PreventionGenetics, part of Exact Sciences
Classification: Likely benign for IGHMBP2-related condition. Last evaluated: 2025-06-12. Review status: criteria provided, single submitter. Criteria: ACMG Guidelines, 2015. Collection method: clinical testing. Allele origin: germline.
Comment: This variant is classified as likely benign based on ACMG/AMP sequence variant interpretation guidelines (Richards et al. 2015 PMID: 25741868, with internal and published modifications).

Mayo Clinic Laboratories, Mayo Clinic
Classification: Likely benign. Last evaluated: 2025-04-22. Review status: criteria provided, single submitter. Criteria: ACMG Guidelines, 2015. Collection method: clinical testing. Allele origin: germline. Observed: 1 variant allele.
Comment: BS1

GeneDx
Classification: Likely benign. Last evaluated: 2020-10-15. Review status: criteria provided, single submitter. Criteria: GeneDx Variant Classification Process June 2021. Collection method: clinical testing. Allele origin: germline. Affected: yes.
Comment: This variant is associated with the following publications: (PMID: 32376792)

Ambry Genetics
Classification: Likely benign for Inborn genetic diseases. Last evaluated: 2020-02-06. Review status: criteria provided, single submitter. Criteria: Ambry Variant Classification Scheme 2023. Collection method: clinical testing. Allele origin: germline.

Illumina Laboratory Services, Illumina
Classification: Uncertain significance for Autosomal recessive distal spinal muscular atrophy 1. Last evaluated: 2018-01-12. Review status: criteria provided, single submitter. Criteria: ICSL Variant Classification Criteria 13 December 2019. Collection method: clinical testing. Allele origin: germline.

Molecular Genetics Laboratory, London Health Sciences Centre
Classification: Uncertain significance for Charcot-Marie-Tooth disease. Review status: criteria provided, single submitter. Criteria: ACMG Guidelines, 2015. Collection method: clinical testing. Allele origin: germline. Affected: yes.

Literature cited by the submitters: PubMed 32376792 (cited by Mayo Clinic Laboratories, Mayo Clinic).

NM_002180.3(IGHMBP2):c.2872A>G (p.Asn958Asp)

Gene: IGHMBP2 (immunoglobulin mu DNA binding protein 2; plus strand). Cytogenetic location: 11q13.3.
Variant type: single nucleotide variant.
Coding change: c.2872A>G on transcript NM_002180.3 (MANE Select); coding-DNA position 2872, A replaced by G.
Protein change: p.Asn958Asp; replaces asparagine 958 with aspartic acid.
Molecular consequence: missense variant.
Genome position (GRCh38, 1-based): chr11:68,939,621, A>G. VCF-style: chr11-68939621-A-G. GRCh37 (hg19) VCF-style: chr11-68707089-A-G.
Other names: p.Asn958Asp; short protein forms N958D.
Identifiers: ClinVar variation 234907 (VCV000234907.23), dbSNP rs141873613, ClinGen allele CA6154050.